The following is an entry in ClinVar:

ClinVar aggregate classification (germline): Uncertain significance. Review status: criteria provided, multiple submitters, no conflicts (2 of 4 stars). 3 submissions from 3 submitters: Uncertain significance (3). Last evaluated 2025-12-09.

Conditions:
FAT4-related disorder. Also called: FAT4-related condition.

gnomAD v4.1: 1 of 1,614,178 alleles (0.000062%); highest among the groups gnomAD compares: Non-Finnish European, 0.000085%; no homozygotes.

Submissions (3):

Labcorp Genetics (formerly Invitae), Labcorp
Classification: Uncertain significance. Last evaluated: 2025-12-09. Review status: criteria provided, single submitter. Criteria: Invitae Variant Classification Sherloc (09022015). Collection method: clinical testing. Allele origin: germline.
Comment: This sequence change replaces aspartic acid, which is acidic and polar, with valine, which is neutral and non-polar, at codon 3588 of the FAT4 protein (p.Asp3588Val). This variant is not present in population databases (gnomAD no frequency). This variant has not been reported in the literature in individuals affected with FAT4-related conditions. ClinVar contains an entry for this variant (Variation ID: 1928154). Invitae Evidence Modeling of protein sequence and biophysical properties (such as structural, functional, and spatial information, amino acid conservation, physicochemical variation, residue mobility, and thermodynamic stability) has been performed for this missense variant. However, the output from this modeling did not meet the statistical confidence thresholds required to predict the impact of this variant on FAT4 protein function. In summary, the available evidence is currently insufficient to determine the role of this variant in disease. Therefore, it has been classified as a Variant of Uncertain Significance.

PreventionGenetics, part of Exact Sciences
Classification: Uncertain significance for FAT4-related condition. Last evaluated: 2025-10-18. Review status: criteria provided, single submitter. Criteria: ACMG Guidelines, 2015. Collection method: clinical testing. Allele origin: germline.
Comment: The FAT4 c.10769A>T variant is predicted to result in the amino acid substitution p.Asp3590Val. To our knowledge, this variant has not been reported in the literature or in a large population database (gnomAD), indicating this variant is rare. At this time, the clinical significance of this variant is uncertain due to the absence of conclusive functional and genetic evidence.

Blueprint Genetics
Classification: Uncertain significance. Last evaluated: 2022-07-17. Review status: criteria provided, single submitter. Criteria: ACMG Guidelines, 2015. Collection method: clinical testing. Allele origin: germline.

NM_001291303.3(FAT4):c.10769A>T (p.Asp3590Val)

Gene: FAT4 (FAT atypical cadherin 4; plus strand). Cytogenetic location: 4q28.1.
Variant type: single nucleotide variant.
Coding change: c.10769A>T on transcript NM_001291303.3 (MANE Select); coding-DNA position 10769, A replaced by T.
Protein change: p.Asp3590Val; replaces aspartic acid 3590 with valine.
Molecular consequence: missense variant.
Genome position (GRCh38, 1-based): chr4:125,451,779, A>T. VCF-style: chr4-125451779-A-T. GRCh37 (hg19) VCF-style: chr4-126372934-A-T.
Other names: c.10769A>T (NM_001291303.1); c.10769A>T, p.Asp3590Val (NM_001291285.3); c.10763A>T, p.Asp3588Val (NM_024582.6); short protein forms D3588V, D3590V.
Identifiers: ClinVar variation 1928154 (VCV001928154.7), dbSNP rs1726085942, ClinGen allele CA358159700.